The following is an entry in ClinVar:

ClinVar aggregate classification (germline): Uncertain significance (1 of 4 stars; one submission).

Submission:

Women's Health and Genetics/Laboratory Corporation of America, LabCorp
Classification: Uncertain significance. Last evaluated: 2026-03-16. Review status: criteria provided, single submitter. Criteria: LabCorp Variant Classification Summary - May 2015. Collection method: clinical testing. Allele origin: germline.
Comment: Variant summary: FBN1 c.7504A>T (p.Asn2502Tyr) results in a non-conservative amino acid change in the encoded protein sequence. Algorithms developed to predict the effect of missense changes on protein structure and function all suggest that this variant is likely to be disruptive. The variant was absent in 251212 control chromosomes. The available data on variant occurrences in the general population are insufficient to allow any conclusion about variant significance. To our knowledge, no occurrence of c.7504A>T in individuals affected with FBN1-related conditions and no experimental evidence demonstrating its impact on protein function have been reported. No submitters have cited clinical-significance assessments for this variant to ClinVar. Based on the evidence outlined above, the variant was classified as uncertain significance.

NM_000138.5(FBN1):c.7504A>T (p.Asn2502Tyr)

Gene: FBN1 (fibrillin 1; minus strand). Cytogenetic location: 15q21.1.
Variant type: single nucleotide variant.
Coding change: c.7504A>T on transcript NM_000138.5 (MANE Select); coding-DNA position 7504, A replaced by T.
Protein change: p.Asn2502Tyr; replaces asparagine 2502 with tyrosine.
Molecular consequence: missense variant.
Genome position (GRCh38, 1-based): chr15:48,422,018, T>A on the plus strand (A>T on the coding strand, the complement: FBN1 is on the minus strand). VCF-style: chr15-48422018-T-A. GRCh37 (hg19) VCF-style: chr15-48714215-T-A.
Other names: c.7504A>T, p.Asn2502Tyr (NM_001406716.1); short protein forms N2502Y.
Identifiers: ClinVar variation 4847167 (VCV004847167.1).